The following is an entry in ClinVar:

ClinVar aggregate classification (germline): Likely pathogenic (1 of 4 stars; one submission).

Conditions:
Cohen syndrome (COH1). Also called: PEPPER SYNDROME; Cutis verticis gyrata, retinitis pigmentosa, and sensorineural deafness. Identifiers: Orphanet 193, MedGen C0265223, MONDO:0008999, OMIM 216550.

Submission:

Natera, Inc.
Classification: Likely pathogenic for Cohen syndrome. Last evaluated: 2024-04-18. Review status: criteria provided, single submitter. Criteria: Natera Variant Classification Schema (03/2026). Collection method: clinical testing. Allele origin: germline.
Comment: The c.8657_8658delTA variant in VPS13B is a frameshift variant predicted to shift the reading frame beginning at codon 2886 and leads to a stop codon 3 codons downstream. This variant is expected to result in nonsense mediated decay, truncation, or a dysfunctional protein product. This variant is rare in the general population with a frequency below the threshold expected for the associated phenotype(s). Given the available evidence, this variant is classified as Likely Pathogenic.

NM_152564.5(VPS13B):c.8582_8583del (p.Ile2861fs)

Gene: VPS13B (vacuolar protein sorting 13 homolog B; plus strand). Cytogenetic location: 8q22.2.
Variant type: Deletion.
Coding change: c.8582_8583del on transcript NM_152564.5 (MANE Select); coding-DNA positions 8582 to 8583, 2 bases deleted (TA; older notation c.8582_8583delTA).
Protein change: p.Ile2861fs; shifts the reading frame from isoleucine 2861.
Molecular consequence: frameshift variant.
Genome position (GRCh38, 1-based): chr8:99,818,849-99,818,850, TA deleted; deleting any 2 consecutive bases within chr8:99,818,848-99,818,850 gives the same sequence; the c. name uses the placement nearest the transcript's 3' end. VCF-style (leftmost placement, unchanged base first): chr8-99818847-CAT-C. GRCh37 (hg19) VCF-style: chr8-100831075-CAT-C.
Other names: c.8657_8658del, p.Ile2886fs (NM_017890.5); short protein forms I2861fs, I2886fs.
Identifiers: ClinVar variation 4815980 (VCV004815980.1).